The following is an entry in ClinVar:

ClinVar aggregate classification (germline): Uncertain significance. Review status: criteria provided, multiple submitters, no conflicts (2 of 4 stars). 4 submissions from 4 submitters: Uncertain significance (4). Last evaluated 2025-08-29.

Conditions:
Early-infantile DEE. Also called: Early infantile epileptic encephalopathy with suppression bursts; Early infantile epileptic encephalopathy; Ohtahara syndrome. Identifiers: Orphanet 1934, MedGen C0393706, MONDO:0800491.

Allele frequency attached by ClinVar (database versions not stated): TOPMed 0.00004; gnomAD exomes 0.00005 and 0.00004; gnomAD 0.00006 and 0.00007; ExAC 0.00002; ESP Exome Variant Server 0.00015; 1000 Genomes Project 30x 0.00031.

Submissions (4):

Labcorp Genetics (formerly Invitae), Labcorp
Classification: Uncertain significance for Early-infantile DEE. Last evaluated: 2025-08-29. Review status: criteria provided, single submitter. Criteria: Invitae Variant Classification Sherloc (09022015). Collection method: clinical testing. Allele origin: germline.
Comment: This sequence change replaces arginine, which is basic and polar, with cysteine, which is neutral and slightly polar, at codon 106 of the ARHGEF15 protein (p.Arg106Cys). This variant is present in population databases (rs144080590, gnomAD 0.03%). This variant has not been reported in the literature in individuals affected with ARHGEF15-related conditions. ClinVar contains an entry for this variant (Variation ID: 434299). An algorithm developed to predict the effect of missense changes on protein structure and function (PolyPhen-2) suggests that this variant is likely to be disruptive. In summary, the available evidence is currently insufficient to determine the role of this variant in disease. Therefore, it has been classified as a Variant of Uncertain Significance.

Ambry Genetics
Classification: Uncertain significance. Last evaluated: 2024-06-10. Review status: criteria provided, single submitter. Criteria: Ambry Variant Classification Scheme 2023. Collection method: clinical testing. Allele origin: germline.

Genetic Services Laboratory, University of Chicago
Classification: Uncertain significance. Last evaluated: 2016-01-07. Review status: criteria provided, single submitter. Criteria: ACMG Guidelines, 2015. Collection method: clinical testing. Allele origin: germline. Affected: no.

Breakthrough Genomics
Classification: Uncertain significance. Review status: criteria provided, single submitter. Criteria: ACMG Guidelines, 2015. Collection method: not provided. Allele origin: germline. Inheritance: Unknown mechanism. Affected: yes.

NM_173728.4(ARHGEF15):c.316C>T (p.Arg106Cys)

Gene: ARHGEF15 (Rho guanine nucleotide exchange factor 15; plus strand). Cytogenetic location: 17p13.1.
Variant type: single nucleotide variant.
Coding change: c.316C>T on transcript NM_173728.4 (MANE Select); coding-DNA position 316, C replaced by T.
Protein change: p.Arg106Cys; replaces arginine 106 with cysteine.
Molecular consequence: missense variant.
Genome position (GRCh38, 1-based): chr17:8,312,355, C>T. VCF-style: chr17-8312355-C-T. GRCh37 (hg19) VCF-style: chr17-8215673-C-T.
Other names: c.316C>T, p.Arg106Cys (NM_025014.2); short protein forms R106C.
Identifiers: ClinVar variation 434299 (VCV000434299.17), dbSNP rs144080590, ClinGen allele CA8374828.
Genomic context (GRCh38, chr17:8,312,355, plus strand): 5'-GACTCCCAGACTTCCCCAGACTCACCTTCCAGCACCCCCACACCTAGTCCAGTGTCCCGG[C>T]GCTCCGCCTCCCCAGAACCTGCTCCCCGGTCTCCAGTCCCCCCACCCAAGCCGTCTGGGT-3'
Protein context (NP_776089.2, residues 96-116): STPTPSPVSR[Arg106Cys]SASPEPAPRS